The following is an entry in ClinVar:

NM_015909.4(NBAS):c.1A>T (p.Met1Leu)

Genes: NBAS (NBAS subunit of NRZ tethering complex; minus strand), LOC129933155 (ATAC-STARR-seq lymphoblastoid active region 15346; plus strand). Cytogenetic location: 2p24.3.
Variant type: single nucleotide variant.
Coding change: c.1A>T on transcript NM_015909.4 (MANE Select); coding-DNA position 1, A replaced by T.
Protein change: p.Met1Leu; changes the start codon (methionine 1).
Molecular consequence: missense variant, initiator codon variant. On other transcripts: non-coding transcript variant (1).
Genome position (GRCh38, 1-based): chr2:15,561,304, T>A on the plus strand (A>T on the coding strand, the complement: NBAS is on the minus strand). VCF-style: chr2-15561304-T-A. GRCh37 (hg19) VCF-style: chr2-15701428-T-A.
Other names: short protein forms M1L.
Identifiers: ClinVar variation 1696343 (VCV001696343.5), dbSNP rs368516200, ClinGen allele CA345895303.

ClinVar aggregate classification (germline): Pathogenic/Likely pathogenic. Review status: criteria provided, multiple submitters, no conflicts (2 of 4 stars). 2 submissions from 2 submitters: Pathogenic (1); Likely pathogenic (1). Last evaluated 2023-10-13.

Conditions:
Acute infantile liver failure due to synthesis defect of mtDNA-encoded proteins. Also called: TRMU Deficiency; LIVER FAILURE, INFANTILE, TRANSIENT; Liver failure acute infantile. Identifiers: Orphanet 217371, MedGen C3278664, MONDO:0013111, OMIM 613070.

Submissions (2):

Labcorp Genetics (formerly Invitae), Labcorp
Classification: Pathogenic. Last evaluated: 2023-10-13. Review status: criteria provided, single submitter. Criteria: Invitae Variant Classification Sherloc (09022015). Collection method: clinical testing. Allele origin: germline.
Comment: This sequence change affects the initiator methionine of the NBAS mRNA. The next in-frame methionine is located at codon 162. This variant is not present in population databases (gnomAD no frequency). This variant has not been reported in the literature in individuals affected with NBAS-related conditions. ClinVar contains an entry for this variant (Variation ID: 1696343). This variant disrupts a region of the NBAS protein in which other variant(s) (p.Arg137Trp) have been determined to be pathogenic (PMID: 26286438, 26578240). This suggests that this is a clinically significant region of the protein, and that variants that disrupt it are likely to be disease-causing. For these reasons, this variant has been classified as Pathogenic.

Women's Health and Genetics/Laboratory Corporation of America, LabCorp
Classification: Likely pathogenic for Acute infantile liver failure due to synthesis defect of mtDNA-encoded proteins. Last evaluated: 2022-05-23. Review status: criteria provided, single submitter. Criteria: LabCorp Variant Classification Summary - May 2015. Collection method: clinical testing. Allele origin: germline.
Comment: Variant summary: NBAS c.1A>T (p.Met1Leu) alters the initiation codon and is predicted to result either in absence of the protein or truncation of the encoded protein due to translation initiation at a downstream codon. An alternative downstream in-frame start codon (Met162) is located in the encoded protein. Activation of the potential downstream translation initiation site would result in a shortened protein missing the first 161 amino acids from the protein sequence. Other pathogenic variants have been reported upstream of this alternate codon (e.g. c.17C>A, p.Ser6Ter; c.248_249dupTG, p.Val84TrpfsX6; c.405G>A, p.W135X; ClinVar and HGMD). Two of three in-silico tools predict a benign effect of the variant on protein function. The variant was absent in 250342 control chromosomes (gnomAD). The available data on variant occurrences in the general population are insufficient to allow any conclusion about variant significance. To our knowledge, no occurrence of c.1A>T in individuals affected with Liver Failure Acute Infantile, Type 2 and no experimental evidence demonstrating its impact on protein function have been reported. No clinical diagnostic laboratories have submitted clinical-significance assessments for this variant to ClinVar after 2014. However, other variants affecting the initiation codon (e.g. c.1A>G, c.1A>C) have been cited in online databases as likely pathogenic and disease-associated (LOVD, HGMD) and have been reported in affected patient(s) (PMID: 32957979). Based on the evidence outlined above, the variant was classified as likely pathogenic.

Literature cited by the submitters: PubMed 26286438 (cited by Labcorp Genetics (formerly Invitae), Labcorp); PubMed 26578240 (cited by Labcorp Genetics (formerly Invitae), Labcorp).